The following is an entry in ClinVar:

ClinVar aggregate classification (germline): Pathogenic (0 of 4 stars; one submission).

Conditions:
Pyruvate dehydrogenase E1-alpha deficiency (PDHAD). Also called: ATAXIA, INTERMITTENT, WITH PYRUVATE DEHYDROGENASE DEFICIENCY; ATAXIA WITH LACTIC ACIDOSIS I; ATAXIA, INTERMITTENT, WITH ABNORMAL PYRUVATE METABOLISM; Ataxia, intermittent, with pyruvate dehydrogenase, or decarboxylase, deficiency. Identifiers: Orphanet 79243, MedGen C1839413, MONDO:0010717, OMIM 312170.

Submission:

PDHA1 Study Group, University Children’s Hospital, Paracelsus Medical University
Classification: Pathogenic for Pyruvate dehydrogenase E1-alpha deficiency. Last evaluated: 2024-10-15. Review status: no assertion criteria provided. Collection method: research. Allele origin: de novo. Affected: yes. Observed: 5 variant alleles.
Comment: The NM_000284.3:c.592G>A (p.Ala198Thr) substitution is a missense variant in PDHA1 gene. In total, 5 individuals were diagnosed with PDHA1-related Pyruvate dehydrogenase complex (PDHc) deficiency (MIM #312170) . These include 4 males and 1 female. Among them, 3 cases had confirmed de novo occurrence, and were confirmed inherited. The variant has been reported in 4 published cases (PMIDs: 16412675, 26944031, 28918066, 20002461, 23021068). Last literature search: July 12, 2024. This variant is absent or extremely rare in population-based cohorts in the Genome Aggregation Database (gnomAD). All individuals harboring this variant presented with clinical features compatible with PDHA1-related PDHc deficiency. In summary, this variant meets criteria to be classified as pathogenic (P) for PDHA1-related PDHc deficiency based on the ACMG/AMP criteria applied: PVS1, PS3, PM1, PM2, PM7, PP3 (last assessment October 15, 2024).

Literature cited by the submitters: PubMed 16412675; PubMed 26944031; PubMed 28918066; PubMed 20002461; PubMed 23021068; DOI 10.1093/brain/awaf430.

NM_000284.4(PDHA1):c.592G>A (p.Ala198Thr)

Gene: PDHA1 (pyruvate dehydrogenase E1 subunit alpha 1; plus strand). Cytogenetic location: Xp22.12.
Variant type: single nucleotide variant.
Coding change: c.592G>A on transcript NM_000284.4 (MANE Select); coding-DNA position 592, G replaced by A.
Protein change: p.Ala198Thr; replaces alanine 198 with threonine.
Molecular consequence: missense variant. On other transcripts: intron variant (1).
Genome position (GRCh38, 1-based): chrX:19,354,572, G>A. VCF-style: chrX-19354572-G-A. GRCh37 (hg19) VCF-style: chrX-19372690-G-A.
Other names: c.706G>A, p.Ala236Thr (NM_001173454.2); c.613G>A, p.Ala205Thr (NM_001173455.2); c.511-777G>A (NM_001173456.2); short protein forms A198T, A205T, A236T.
Identifiers: ClinVar variation 4070408 (VCV004070408.1).